The following is an entry in ClinVar:

NM_016284.5(CNOT1):c.5942G>A (p.Arg1981His)

Gene: CNOT1 (CCR4-NOT transcription complex subunit 1; minus strand). Cytogenetic location: 16q21.
Variant type: single nucleotide variant.
Coding change: c.5942G>A on transcript NM_016284.5 (MANE Select); coding-DNA position 5942, G replaced by A.
Protein change: p.Arg1981His; replaces arginine 1981 with histidine.
Molecular consequence: missense variant. On other transcripts: non-coding transcript variant (1).
Genome position (GRCh38, 1-based): chr16:58,532,349, C>T on the plus strand (G>A on the coding strand, the complement: CNOT1 is on the minus strand). VCF-style: chr16-58532349-C-T. GRCh37 (hg19) VCF-style: chr16-58566253-C-T.
Other names: c.5927G>A, p.Arg1976His (NM_001265612.2); short protein forms R1976H, R1981H.
Identifiers: ClinVar variation 2375916 (VCV002375916.2), dbSNP rs2543847026, ClinGen allele CA396162742.

ClinVar aggregate classification (germline): Uncertain significance (1 of 4 stars; one submission).

Conditions:
Inborn genetic diseases. Identifiers: MedGen C0950123, MeSH D030342.

Allele frequency attached by ClinVar (database versions not stated): gnomAD exomes below 0.00001.
gnomAD v4.1: 1 of 1,614,136 alleles (0.000062%); highest among the groups gnomAD compares: Non-Finnish European, 0.000085%; no homozygotes.

Submission:

Ambry Genetics
Classification: Uncertain significance for Inborn genetic diseases. Last evaluated: 2020-12-28. Review status: criteria provided, single submitter. Criteria: Ambry Variant Classification Scheme 2023. Collection method: clinical testing. Allele origin: germline.
Comment: The c.5942G>A (p.R1981H) alteration is located in exon 41 (coding exon 40) of the CNOT1 gene. This alteration results from a G to A substitution at nucleotide position 5942, causing the arginine (R) at amino acid position 1981 to be replaced by a histidine (H). The p.R1981H alteration is predicted to be tolerated by in silico analysis. Based on insufficient or conflicting evidence, the clinical significance of this alteration remains unclear.